The following is an entry in ClinVar:

NM_003242.6(TGFBR2):c.*310_*311del

Gene: TGFBR2 (transforming growth factor beta receptor 2; plus strand). Cytogenetic location: 3p24.1.
Variant type: Deletion.
Coding change: c.*310_*311del on transcript NM_003242.6 (MANE Select); 310 bases downstream of the stop codon through 311 bases downstream of the stop codon, 2 bases deleted (TT; older notation c.*310_*311delTT).
Molecular consequence: 3 prime UTR variant.
Genome position (GRCh38, 1-based): chr3:30,691,909-30,691,910, TT deleted; deleting any 2 consecutive bases within chr3:30,691,907-30,691,910 gives the same sequence; the c. name uses the placement nearest the transcript's 3' end. VCF-style (leftmost placement, unchanged base first): chr3-30691906-GTT-G. GRCh37 (hg19) VCF-style: chr3-30733398-GTT-G.
Other names: c.*310_*311delTT (NM_001024847.3, NM_001407126.1, NM_001407127.1 and 11 more transcripts).
Identifiers: ClinVar variation 1701003 (VCV001701003.2), dbSNP rs199931498, ClinGen allele CA71547730.

ClinVar aggregate classification (germline): Likely benign (1 of 4 stars; one submission).

Submission:

GeneDx
Classification: Likely benign. Last evaluated: 2022-02-15. Review status: criteria provided, single submitter. Criteria: GeneDx Variant Classification Process June 2021. Collection method: clinical testing. Allele origin: germline. Affected: yes.
Comment: See Variant Classification Assertion Criteria.